The following is an entry in ClinVar:

ClinVar aggregate classification (germline): Uncertain significance (1 of 4 stars; one submission).

Conditions:
Inborn genetic diseases. Identifiers: MedGen C0950123, MeSH D030342.

Submission:

Ambry Genetics
Classification: Uncertain significance for Inborn genetic diseases. Last evaluated: 2025-11-08. Review status: criteria provided, single submitter. Criteria: Ambry Variant Classification Scheme 2023. Collection method: clinical testing. Allele origin: germline.
Comment: The p.D533V variant (also known as c.1598A>T), located in coding exon 17 of the FANCA gene, results from an A to T substitution at nucleotide position 1598. The aspartic acid at codon 533 is replaced by valine, an amino acid with highly dissimilar properties. This amino acid position is conserved. In addition, this alteration is predicted to be deleterious by in silico analysis. Based on the available evidence, the clinical significance of this variant remains unclear.

NM_000135.4(FANCA):c.1598A>T (p.Asp533Val)

Gene: FANCA (FA complementation group A; minus strand). Cytogenetic location: 16q24.3.
Variant type: single nucleotide variant.
Coding change: c.1598A>T on transcript NM_000135.4 (MANE Select); coding-DNA position 1598, A replaced by T.
Protein change: p.Asp533Val; replaces aspartic acid 533 with valine.
Molecular consequence: missense variant.
Genome position (GRCh38, 1-based): chr16:89,782,887, T>A on the plus strand (A>T on the coding strand, the complement: FANCA is on the minus strand). VCF-style: chr16-89782887-T-A. GRCh37 (hg19) VCF-style: chr16-89849295-T-A.
Other names: c.1598A>T, p.Asp533Val (NM_001286167.3); short protein forms D533V.
Identifiers: ClinVar variation 4619256 (VCV004619256.1).